The following is an entry in ClinVar:

ClinVar aggregate classification (germline): Uncertain significance (0 of 4 stars; one submission).

Conditions:
TENM1-related disorder. Also called: TENM1-related condition.

Submission:

PreventionGenetics, part of Exact Sciences
Classification: Uncertain significance for TENM1-related condition. Last evaluated: 2024-09-20. Review status: no assertion criteria provided. Collection method: clinical testing. Allele origin: germline.
Comment: The TENM1 c.2021T>C variant is predicted to result in the amino acid substitution p.Leu674Pro. To our knowledge, this variant has not been reported in the literature or in a large population database, indicating this variant is rare. At this time, the clinical significance of this variant is uncertain due to the absence of conclusive functional and genetic evidence.

NM_001163278.2(TENM1):c.2021T>C (p.Leu674Pro)

Gene: TENM1 (teneurin transmembrane protein 1; minus strand). Cytogenetic location: Xq25.
Variant type: single nucleotide variant.
Coding change: c.2021T>C on transcript NM_001163278.2 (MANE Select); coding-DNA position 2021, T replaced by C.
Protein change: p.Leu674Pro; replaces leucine 674 with proline.
Molecular consequence: missense variant.
Genome position (GRCh38, 1-based): chrX:124,641,847, A>G on the plus strand (T>C on the coding strand, the complement: TENM1 is on the minus strand). VCF-style: chrX-124641847-A-G. GRCh37 (hg19) VCF-style: chrX-123775697-A-G.
Other names: c.2018T>C, p.Leu673Pro (NM_001163279.1); c.2021T>C, p.Leu674Pro (NM_014253.3); short protein forms L673P, L674P.
Identifiers: ClinVar variation 3350960 (VCV003350960.1).